The following is an entry in ClinVar:

ClinVar aggregate classification (germline): Uncertain significance (1 of 4 stars; one submission).

Conditions:
Intellectual developmental disorder, X-linked 99. Also called: Intellectual disability, X-linked 99. Identifiers: Orphanet 777, MedGen C3806746, MONDO:0010487, OMIM 300919.

Submission:

Baylor Genetics
Classification: Uncertain significance for Intellectual developmental disorder, X-linked 99. Last evaluated: 2018-02-02. Review status: criteria provided, single submitter. Criteria: ACMG Guidelines, 2015. Collection method: clinical testing. Allele origin: unknown. Affected: yes.
Comment: This variant was determined to be of uncertain significance according to ACMG Guidelines, 2015 [PMID:25741868].

NM_001039591.3(USP9X):c.1986-5dup

Gene: USP9X (ubiquitin specific peptidase 9 X-linked; plus strand). Cytogenetic location: Xp11.4.
Variant type: Duplication.
Coding change: c.1986-5dup on transcript NM_001039591.3 (MANE Select); 5 bases into the intron before coding-DNA position 1986, one base duplicated (T; older notation c.1986-5dupT).
Molecular consequence: intron variant.
Genome position (GRCh38, 1-based): chrX:41,165,867, T duplicated; the last of 6 consecutive T bases (chrX:41,165,862-41,165,867); duplicating any one gives the same sequence. VCF-style (leftmost placement, unchanged base first): chrX-41165861-G-GT. GRCh37 (hg19) VCF-style: chrX-41025114-G-GT.
Other names: c.1986-5dup (NM_001039590.3).
Identifiers: ClinVar variation 1034401 (VCV001034401.1), dbSNP rs1407518245, ClinGen allele CA641899673.